The following is an entry in ClinVar:

ClinVar aggregate classification (germline): Likely benign. Review status: criteria provided, multiple submitters, no conflicts (2 of 4 stars). 3 submissions from 3 submitters: Likely benign (3). Last evaluated 2025-11-06.

Conditions:
Neurofibromatosis, type 2 (SWNV). Also called: NF2-Related Schwannomatosis; BILATERAL ACOUSTIC NEUROFIBROMATOSIS; SCHWANNOMATOSIS, VESTIBULAR. Identifiers: Orphanet 637, MedGen C0027832, MONDO:0007039, OMIM 101000. Disease mechanism: loss of function.
Hereditary cancer-predisposing syndrome. Also called: Neoplastic Syndromes, Hereditary; Tumor predisposition; Hereditary Cancer Syndrome; Hereditary neoplastic syndrome. Identifiers: Orphanet 140162, MedGen C0027672, MeSH D009386, MONDO:0015356.

Allele frequency attached by ClinVar (database versions not stated): gnomAD exomes 0.00001.
gnomAD v4.1: 8 of 1,614,210 alleles (0.0005%); highest among the groups gnomAD compares: Non-Finnish European, 0.00068%; no homozygotes.

Submissions (3):

Labcorp Genetics (formerly Invitae), Labcorp
Classification: Likely benign for Neurofibromatosis, type 2. Last evaluated: 2025-11-06. Review status: criteria provided, single submitter. Criteria: Invitae Variant Classification Sherloc (09022015). Collection method: clinical testing. Allele origin: germline.

Ambry Genetics
Classification: Likely benign for Hereditary cancer-predisposing syndrome. Last evaluated: 2025-01-17. Review status: criteria provided, single submitter. Criteria: Ambry Variant Classification Scheme 2023. Collection method: clinical testing. Allele origin: germline.

All of Us Research Program, National Institutes of Health
Classification: Likely benign for Neurofibromatosis, type 2. Last evaluated: 2023-11-02. Review status: criteria provided, single submitter. Criteria: ACMG Guidelines, 2015. Collection method: clinical testing. Allele origin: germline. Inheritance: Autosomal dominant inheritance. Observed: 1 variant allele, 1 heterozygote.
Comment: This study involves interpretation of variants in research participants for the purpose of population health screening. Participant phenotype was not available at the time of variant classification. Additional details can be found in publication PMID: 35346344, PMCID: PMC8962531

NM_000268.4(NF2):c.324G>A (p.Glu108=)

Gene: NF2 (NF2, moesin-ezrin-radixin like (MERLIN) tumor suppressor; plus strand). Cytogenetic location: 22q12.2.
Variant type: single nucleotide variant.
Coding change: c.324G>A on transcript NM_000268.4 (MANE Select); coding-DNA position 324, G replaced by A.
Protein change: p.Glu108=; no amino-acid change (glutamic acid 108 retained).
Molecular consequence: synonymous variant. On other transcripts: 5 prime UTR variant (1), intron variant (8).
Genome position (GRCh38, 1-based): chr22:29,639,173, G>A. VCF-style: chr22-29639173-G-A. GRCh37 (hg19) VCF-style: chr22-30035162-G-A.
Other names: c.210G>A, p.Glu70= (NM_001407053.1, NM_001407056.1); c.198G>A, p.Glu66= (NM_001407055.1, NM_181828.3); c.324G>A, p.Glu108= (NM_001407057.1, NM_001407059.1, NM_001407060.1 and 5 more transcripts); c.-317G>A (NM_001407065.1); c.93G>A, p.Glu31= (NM_001407067.1); c.240+2297G>A (NM_001407058.1, NM_181829.3, NM_001407054.1 and 1 more transcripts); c.115-3029G>A (NM_001407063.1, NM_181830.3, NM_001407064.1 and 1 more transcripts).
Identifiers: ClinVar variation 2066708 (VCV002066708.6), dbSNP rs2146872075, ClinGen allele CA514191691.